The following is an entry in ClinVar:

ClinVar aggregate classification (germline): Benign/Likely benign. Review status: criteria provided, multiple submitters, no conflicts (2 of 4 stars). 10 submissions from 10 submitters: Benign (4); Likely benign (3). 3 of the submissions do not count toward it. Last evaluated 2026-03-01.

Conditions:
Epidermolysis bullosa simplex, Ogna type (EBS5A). Also called: Pidermolysis bullosa simplex 5A, Ogna type; EPIDERMOLYSIS BULLOSA SIMPLEX 5A, OGNA TYPE. Identifiers: Orphanet 79401, MedGen C0432317, MONDO:0007555, OMIM 131950.
Epidermolysis bullosa simplex with nail dystrophy (EBS5D). Identifiers: MedGen C4225309, MONDO:0014661, OMIM 616487.
Epidermolysis bullosa simplex 5C, with pyloric atresia (EBS5C). Also called: PLEC1-Related Epidermolysis Bullosa with Pyloric Atresia; PLEC-Related Epidermolysis Bullosa with Pyloric Atresia; Epidermolysis bullosa simplex with pyloric atresia. Identifiers: Orphanet 158684, MedGen C2677349, MONDO:0012807, OMIM 612138.
Epidermolysis bullosa simplex 5B, with muscular dystrophy (EBS5B). Also called: EPIDERMOLYSIS BULLOSA SIMPLEX AND LIMB-GIRDLE MUSCULAR DYSTROPHY; Epidermolysis bullosa simplex with muscular dystrophy. Identifiers: Orphanet 257, MedGen C2931072, MONDO:0009181, OMIM 226670.
Autosomal recessive limb-girdle muscular dystrophy type 2Q (LGMDR17). Also called: MUSCULAR DYSTROPHY, LIMB-GIRDLE, AUTOSOMAL RECESSIVE 17. Identifiers: Orphanet 254361, MedGen C3150989, MONDO:0013390, OMIM 613723.
PLEC-related disorder. Also called: PLEC-related disorders; PLEC-related condition.

Allele frequency attached by ClinVar (database versions not stated): 1000 Genomes Project 0.00040; 1000 Genomes Project 30x 0.00047; gnomAD 0.00314 and 0.00326; ExAC 0.00337; gnomAD exomes 0.00345 and 0.00555; TOPMed 0.00348; ESP Exome Variant Server 0.00392.
gnomAD v4.1: 8,498 of 1,611,356 alleles (0.53%); highest among the groups gnomAD compares: Non-Finnish European, 0.66%; 44 homozygotes.

Submissions (10):

CeGaT Center for Human Genetics Tuebingen
Classification: Likely benign. Last evaluated: 2026-03-01. Review status: criteria provided, single submitter. Criteria: CeGaT Center For Human Genetics Tuebingen Variant Classification Criteria Version 2. Collection method: clinical testing. Allele origin: germline. Affected: yes. Observed: 16 variant alleles.
Comment: PLEC: BP4, BP7, BS2

Labcorp Genetics (formerly Invitae), Labcorp
Classification: Benign for Autosomal recessive limb-girdle muscular dystrophy type 2Q; Epidermolysis bullosa simplex, Ogna type; Epidermolysis bullosa simplex with nail dystrophy; Epidermolysis bullosa simplex 5C, with pyloric atresia; Epidermolysis bullosa simplex 5B, with muscular dystrophy. Last evaluated: 2026-02-02. Review status: criteria provided, single submitter. Criteria: Invitae Variant Classification Sherloc (09022015). Collection method: clinical testing. Allele origin: germline.

Mayo Clinic Laboratories, Mayo Clinic
Classification: Benign. Last evaluated: 2024-12-05. Review status: criteria provided, single submitter. Criteria: ACMG Guidelines, 2015. Collection method: clinical testing. Allele origin: germline. Observed: 6 variant alleles.
Comment: BA1, BP4, BP7

Blueprint Genetics
Classification: Likely benign. Last evaluated: 2024-11-26. Review status: criteria provided, single submitter. Criteria: ACMG Guidelines, 2015. Collection method: clinical testing. Allele origin: germline.

GeneDx
Classification: Likely benign. Last evaluated: 2021-11-09. Review status: criteria provided, single submitter. Criteria: GeneDx Variant Classification Process June 2021. Collection method: clinical testing. Allele origin: germline. Affected: yes.

Athena Diagnostics
Classification: Benign. Last evaluated: 2017-11-29. Review status: criteria provided, single submitter. Criteria: Athena Diagnostics Criteria. Collection method: clinical testing. Allele origin: germline.

Eurofins Ntd Llc (ga)
Classification: Benign. Last evaluated: 2015-07-07. Review status: criteria provided, single submitter. Criteria: EGL Classification Definitions 2015. Collection method: clinical testing. Allele origin: germline. Observed: 1 variant allele, 1 heterozygote.

PreventionGenetics, part of Exact Sciences
Classification: Benign for PLEC-related condition. Last evaluated: 2021-03-03. Review status: no assertion criteria provided. Collection method: clinical testing. Allele origin: germline. Not counted in ClinVar's aggregate classification.
Comment: This variant is classified as benign based on ACMG/AMP sequence variant interpretation guidelines (Richards et al. 2015 PMID: 25741868, with internal and published modifications).

Clinical Genetics DNA and cytogenetics Diagnostics Lab, Erasmus MC, Erasmus Medical Center
Classification: Likely benign. Review status: no assertion criteria provided. Collection method: clinical testing. Allele origin: germline. Affected: yes. Study: VKGL Data-share Consensus. Not counted in ClinVar's aggregate classification.

Laboratory of Diagnostic Genome Analysis, Leiden University Medical Center (LUMC)
Classification: Likely benign. Review status: no assertion criteria provided. Collection method: clinical testing. Allele origin: germline. Affected: yes. Study: VKGL Data-share Consensus. Not counted in ClinVar's aggregate classification.

NM_201384.3(PLEC):c.10759C>T (p.Leu3587=)

Gene: PLEC (plectin; minus strand). Cytogenetic location: 8q24.3.
Variant type: single nucleotide variant.
Coding change: c.10759C>T on transcript NM_201384.3 (MANE Select); coding-DNA position 10759, C replaced by T.
Protein change: p.Leu3587=; no amino-acid change (leucine 3587 retained).
Molecular consequence: synonymous variant.
Genome position (GRCh38, 1-based): chr8:143,919,062, G>A on the plus strand (C>T on the coding strand, the complement: PLEC is on the minus strand). VCF-style: chr8-143919062-G-A. GRCh37 (hg19) VCF-style: chr8-144993230-G-A.
Other names: p.Leu3573=; c.10840C>T, p.Leu3614= (NM_000445.5); c.10717C>T, p.Leu3573= (NM_201378.4); c.10693C>T, p.Leu3565= (NM_201379.3); c.11170C>T, p.Leu3724= (NM_201380.4); c.10663C>T, p.Leu3555= (NM_201381.3); c.10759C>T, p.Leu3587= (NM_201382.4); c.10771C>T, p.Leu3591= (NM_201383.3).
Identifiers: ClinVar variation 93021 (VCV000093021.64), dbSNP rs200006106, ClinGen allele CA146214.